The following is an entry in ClinVar:

ClinVar aggregate classification (germline): Uncertain significance (1 of 4 stars; one submission).

Conditions:
Ververi-Brady syndrome 1. Identifiers: Orphanet 580940, MedGen C6065891, MONDO:0060707, OMIM 617982.

Submission:

3billion
Classification: Uncertain significance for Ververi-Brady syndrome 1. Last evaluated: 2024-07-19. Review status: criteria provided, single submitter. Criteria: ACMG Guidelines, 2015. Collection method: clinical testing. Allele origin: germline. Affected: yes.
Comment: The variant is not observed in the gnomAD v4.0.0 dataset. Predicted Consequence/Location: Intron variant In silico tools predict the variant to alter splicing and produce an abnormal transcript [SpliceAI: 0.79 (>=0.2, moderate evidence for spliceogenicity)]. Therefore, this variant is classified as VUS according to the recommendation of ACMG/AMP guideline.

NM_198880.3(QRICH1):c.1895+3_1895+6del

Gene: QRICH1 (glutamine rich 1; minus strand). Cytogenetic location: 3p21.31.
Variant type: Microsatellite.
Coding change: c.1895+3_1895+6del on transcript NM_198880.3 (MANE Select); bases 3 to 6 of the intron after coding-DNA position 1895, 4 bases deleted (AAGT; older notation c.1895+3_1895+6delAAGT).
Molecular consequence: splice donor variant.
Genome position (GRCh38, 1-based): chr3:49,033,114-49,033,117, ACTT deleted on the plus strand (AAGT on the coding strand, the reverse complement: QRICH1 is on the minus strand); deleting any 4 consecutive bases within chr3:49,033,114-49,033,121 gives the same sequence; the c. name uses the placement nearest the transcript's 3' end. VCF-style (leftmost placement, unchanged base first): chr3-49033113-CACTT-C. GRCh37 (hg19) VCF-style: chr3-49070546-CACTT-C.
Other names: c.1895+3_1895+6del (NM_001320584.1, NM_001320585.1, NM_017730.4 and 4 more transcripts).
Identifiers: ClinVar variation 4291912 (VCV004291912.1).
Genomic context (GRCh38, chr3:49,033,113, plus strand): 5'-GCCTCTTGGATAGCTTCCACACTCTTCACTGGACAGATGCCAGCAGTGGAGCCTCTAGAA[CACTT>C]ACTTGGTATTAAAGAACATGAGGGTGGTCAGCAAGGTGGAGGGGGAGTGAGCCCCAAGCT-3'